The following is an entry in ClinVar:

NM_000845.3(GRM8):c.357C>T (p.Phe119=)

Gene: GRM8 (glutamate metabotropic receptor 8; minus strand). Cytogenetic location: 7q31.33.
Variant type: single nucleotide variant.
Coding change: c.357C>T on transcript NM_000845.3 (MANE Select); coding-DNA position 357, C replaced by T.
Protein change: p.Phe119=; no amino-acid change (phenylalanine 119 retained).
Molecular consequence: synonymous variant. On other transcripts: non-coding transcript variant (2), intron variant (1).
Genome position (GRCh38, 1-based): chr7:127,242,848, G>A on the plus strand (C>T on the coding strand, the complement: GRM8 is on the minus strand). VCF-style: chr7-127242848-G-A. GRCh37 (hg19) VCF-style: chr7-126882902-G-A.
Other names: c.357C>T, p.Phe119= (NM_001127323.1, NM_001371083.1, NM_001371084.1 and 3 more transcripts); c.-106+9949C>T (NM_001371087.1).
Identifiers: ClinVar variation 785232 (VCV000785232.7), dbSNP rs769200, ClinGen allele CA4466221.

ClinVar aggregate classification (germline): Benign. Review status: criteria provided, multiple submitters, no conflicts (2 of 4 stars). 3 submissions from 3 submitters: Benign (2). 1 of the submissions does not count toward it. Last evaluated 2019-12-31.

Conditions:
GRM8-related disorder. Also called: GRM8-related condition.

Allele frequency attached by ClinVar (database versions not stated): gnomAD exomes 0.00410 and 0.00200; gnomAD 0.01334 and 0.01427; 1000 Genomes Project 30x 0.01359; TOPMed 0.01536; ESP Exome Variant Server 0.01630; ExAC 0.00479; 1000 Genomes Project 0.01298.
gnomAD v4.1: 5,096 of 1,614,076 alleles (0.32%); highest among the groups gnomAD compares: African/African-American, 4.3%; 83 homozygotes.

Submissions (3):

Labcorp Genetics (formerly Invitae), Labcorp
Classification: Benign. Last evaluated: 2019-12-31. Review status: criteria provided, single submitter. Criteria: Invitae Variant Classification Sherloc (09022015). Collection method: clinical testing. Allele origin: germline.

Breakthrough Genomics
Classification: Benign. Review status: criteria provided, single submitter. Criteria: ACMG Guidelines, 2015. Collection method: not provided. Allele origin: germline. Inheritance: Unknown mechanism. Affected: yes.

PreventionGenetics, part of Exact Sciences
Classification: Benign for GRM8-related condition. Last evaluated: 2019-09-30. Review status: no assertion criteria provided. Collection method: clinical testing. Allele origin: germline. Not counted in ClinVar's aggregate classification.
Comment: This variant is classified as benign based on ACMG/AMP sequence variant interpretation guidelines (Richards et al. 2015 PMID: 25741868, with internal and published modifications).